The following is an entry in ClinVar:

ClinVar aggregate classification (germline): Likely benign. Review status: criteria provided, multiple submitters, no conflicts (2 of 4 stars). 2 submissions from 2 submitters: Likely benign (2). Last evaluated 2025-10-01.

Conditions:
Aortic aneurysm, familial thoracic 4 (AAT4). Also called: AORTIC ANEURYSM/AORTIC DISSECTION AND PATENT DUCTUS ARTERIOSUS. Identifiers: MedGen C1851504, MONDO:0007568, OMIM 132900.

Submissions (2):

CeGaT Center for Human Genetics Tuebingen
Classification: Likely benign. Last evaluated: 2025-10-01. Review status: criteria provided, single submitter. Criteria: CeGaT Center For Human Genetics Tuebingen Variant Classification Criteria Version 2. Collection method: clinical testing. Allele origin: germline. Affected: yes. Observed: 1 variant allele.
Comment: MYH11: PM2:Supporting, BP4, BP7

Labcorp Genetics (formerly Invitae), Labcorp
Classification: Likely benign for Aortic aneurysm, familial thoracic 4. Last evaluated: 2021-11-09. Review status: criteria provided, single submitter. Criteria: Invitae Variant Classification Sherloc (09022015). Collection method: clinical testing. Allele origin: germline.

NM_002474.3(MYH11):c.5373G>A (p.Glu1791=)

Genes: MYH11 (myosin heavy chain 11; minus strand), NDE1 (nudE neurodevelopment protein 1; plus strand). Cytogenetic location: 16p13.11.
Variant type: single nucleotide variant.
Coding change: c.5373G>A on transcript NM_002474.3 (MANE Select); coding-DNA position 5373, G replaced by A.
Protein change: p.Glu1791=; no amino-acid change (glutamic acid 1791 retained).
Molecular consequence: synonymous variant. On other transcripts: intron variant (2).
Genome position (GRCh38, 1-based): chr16:15,717,271, C>T on the plus strand (G>A on the coding strand, the complement: MYH11 is on the minus strand). VCF-style: chr16-15717271-C-T. GRCh37 (hg19) VCF-style: chr16-15811128-C-T.
Other names: c.5394G>A, p.Glu1798= (NM_001040113.2, NM_001040114.2); c.5373G>A, p.Glu1791= (NM_022844.3); c.948-6920C>T (NM_001143979.2, NM_017668.3).
Identifiers: ClinVar variation 1581419 (VCV001581419.14), dbSNP rs2151198297, ClinGen allele CA494087696.